The following is an entry in ClinVar:

ClinVar aggregate classification (germline): Uncertain significance. Review status: criteria provided, multiple submitters, no conflicts (2 of 4 stars). 2 submissions from 2 submitters: Uncertain significance (2). Last evaluated 2023-10-27.

Conditions:
Inborn genetic diseases. Identifiers: MedGen C0950123, MeSH D030342.

Allele frequency attached by ClinVar (database versions not stated): gnomAD exomes 0.00001 and 0.00002; ExAC 0.00002; ESP Exome Variant Server 0.00008; gnomAD 0.00011; TOPMed 0.00013.
gnomAD v4.1: 28 of 1,614,006 alleles (0.0017%); highest among the groups gnomAD compares: African/African-American, 0.032%; no homozygotes.

Submissions (2):

Ambry Genetics
Classification: Uncertain significance for Inborn genetic diseases. Last evaluated: 2023-10-27. Review status: criteria provided, single submitter. Criteria: Ambry Variant Classification Scheme 2023. Collection method: clinical testing. Allele origin: germline.

GeneDx
Classification: Uncertain significance. Last evaluated: 2014-01-18. Review status: criteria provided, single submitter. Criteria: GeneDx Variant Classification (06012015). Collection method: clinical testing. Allele origin: germline. Affected: yes.
Comment: p.Gly92Val (GGA>GTA): c.275 G>T in exon 3 of the NDUFAF3 gene (NM_199069.1). A variant of unknown significance has been identified in the NDUFAF3 gene. The G92V missense substitution has not been published as a mutation, nor has it been reported as a benign polymorphism to our knowledge. The G92V variant is a conservative amino acid substitution, as these residues share similar properties, and are less likely to impact secondary structure. This substitution occurs at a position in the NDUFAF3 protein that is conserved in mammals. In-silico analyses are inconsistent in their predictions of whether or not G92V impacts protein structure/function. Therefore, based on the currently available information, it is unclear whether G92V is a disease-causing mutation or a rare benign variant. The variant is found in MITONUC-MITOP panel(s).

NM_199069.2(NDUFAF3):c.275G>T (p.Gly92Val)

Gene: NDUFAF3 (NADH:ubiquinone oxidoreductase complex assembly factor 3; plus strand). Cytogenetic location: 3p21.31.
Variant type: single nucleotide variant.
Coding change: c.275G>T on transcript NM_199069.2 (MANE Select); coding-DNA position 275, G replaced by T.
Protein change: p.Gly92Val; replaces glycine 92 with valine.
Molecular consequence: missense variant.
Genome position (GRCh38, 1-based): chr3:49,022,706, G>T. VCF-style: chr3-49022706-G-T. GRCh37 (hg19) VCF-style: chr3-49060139-G-T.
Other names: p.G92V:GGA>GTA; c.104G>T, p.Gly35Val (NM_199070.2, NM_199073.2, NM_199074.2); short protein forms G35V, G92V.
Identifiers: ClinVar variation 214748 (VCV000214748.3), dbSNP rs146340094, ClinGen allele CA321010.